The following is an entry in ClinVar:

NM_022081.6(HPS4):c.1882C>T (p.Arg628Cys)

Gene: HPS4 (HPS4 biogenesis of lysosomal organelles complex 3 subunit 2; minus strand). Cytogenetic location: 22q12.1.
Variant type: single nucleotide variant.
Coding change: c.1882C>T on transcript NM_022081.6 (MANE Select); coding-DNA position 1882, C replaced by T.
Protein change: p.Arg628Cys; replaces arginine 628 with cysteine.
Molecular consequence: missense variant. On other transcripts: non-coding transcript variant (8), intron variant (2).
Genome position (GRCh38, 1-based): chr22:26,457,932, G>A on the plus strand (C>T on the coding strand, the complement: HPS4 is on the minus strand). VCF-style: chr22-26457932-G-A. GRCh37 (hg19) VCF-style: chr22-26853898-G-A.
Other names: c.1882C>T, p.Arg628Cys (NM_001349896.1, NM_001349898.2, NM_001349899.2 and 2 more transcripts); c.1936C>T, p.Arg646Cys (NM_001349900.2, NM_001349901.1); c.1867C>T, p.Arg623Cys (NM_152841.2); c.1714-4528C>T (NM_001349902.1, NM_001349903.2); short protein forms R628C, R646C, R623C.
Identifiers: ClinVar variation 1397170 (VCV001397170.6), dbSNP rs770895794, ClinGen allele CA10163170.
Genomic context (GRCh38, chr22:26,457,932, plus strand): 5'-CATAAAGCGCGGGCAGCTGGGCAAATTCGCTATGCATCAGGCTGACGGCCTGGAGGAAGC[G>A]GCGATCCTGCGGGGTGGCCACCTGCGGCAGGTTTGCTTCCAGAAGAGGACACAGAGTTGT-3'
Protein context (NP_071364.4, residues 618-638): LPQVATPQDR[Arg628Cys]FLQAVSLMHS

ClinVar aggregate classification (germline): Uncertain significance (1 of 4 stars; one submission).

Allele frequency attached by ClinVar (database versions not stated): ExAC 0.00002; TOPMed 0.00003; gnomAD 0.00004; gnomAD exomes 0.00004.

Submission:

Labcorp Genetics (formerly Invitae), Labcorp
Classification: Uncertain significance. Last evaluated: 2025-11-24. Review status: criteria provided, single submitter. Criteria: Invitae Variant Classification Sherloc (09022015). Collection method: clinical testing. Allele origin: germline.
Comment: This sequence change replaces arginine, which is basic and polar, with cysteine, which is neutral and slightly polar, at codon 628 of the HPS4 protein (p.Arg628Cys). This variant is present in population databases (rs770895794, gnomAD 0.008%). This variant has not been reported in the literature in individuals affected with HPS4-related conditions. ClinVar contains an entry for this variant (Variation ID: 1397170). An algorithm developed to predict the effect of missense changes on protein structure and function (PolyPhen-2) suggests that this variant is likely to be disruptive. In summary, the available evidence is currently insufficient to determine the role of this variant in disease. Therefore, it has been classified as a Variant of Uncertain Significance.